The following is an entry in ClinVar:

NM_001369268.1(ACAN):c.7269A>C (p.Glu2423Asp)

Gene: ACAN (aggrecan; plus strand). Cytogenetic location: 15q26.1.
Variant type: single nucleotide variant.
Coding change: c.7269A>C on transcript NM_001369268.1 (MANE Select); coding-DNA position 7269, A replaced by C.
Protein change: p.Glu2423Asp; replaces glutamic acid 2423 with aspartic acid.
Molecular consequence: missense variant.
Genome position (GRCh38, 1-based): chr15:88,872,052, A>C. VCF-style: chr15-88872052-A-C. GRCh37 (hg19) VCF-style: chr15-89415283-A-C.
Other names: c.7041A>C, p.Glu2347Asp (NM_001135.4, NM_001411096.1); c.7155A>C, p.Glu2385Asp (NM_001411097.1, NM_013227.4); c.7155A>C (NM_013227.3); short protein forms E2347D, E2385D, E2423D.
Identifiers: ClinVar variation 2172116 (VCV002172116.6), dbSNP rs780745834, ClinGen allele CA7720623.

ClinVar aggregate classification (germline): Uncertain significance. Review status: criteria provided, multiple submitters, no conflicts (2 of 4 stars). 3 submissions from 3 submitters: Uncertain significance (3). Last evaluated 2025-12-19.

Conditions:
Inborn genetic diseases. Identifiers: MedGen C0950123, MeSH D030342.

Allele frequency attached by ClinVar (database versions not stated): TOPMed 0.00007; gnomAD exomes 0.00010.
gnomAD v4.1: 146 of 1,613,964 alleles (0.009%); highest among the groups gnomAD compares: Middle Eastern, 0.016%; no homozygotes.

Submissions (3):

Labcorp Genetics (formerly Invitae), Labcorp
Classification: Uncertain significance. Last evaluated: 2025-12-19. Review status: criteria provided, single submitter. Criteria: Invitae Variant Classification Sherloc (09022015). Collection method: clinical testing. Allele origin: germline.
Comment: This sequence change replaces glutamic acid, which is acidic and polar, with aspartic acid, which is acidic and polar, at codon 2385 of the ACAN protein (p.Glu2385Asp). This variant is present in population databases (rs780745834, gnomAD 0.01%). This variant has not been reported in the literature in individuals affected with ACAN-related conditions. ClinVar contains an entry for this variant (Variation ID: 2172116). An algorithm developed to predict the effect of missense changes on protein structure and function (PolyPhen-2) suggests that this variant is likely to be disruptive. In summary, the available evidence is currently insufficient to determine the role of this variant in disease. Therefore, it has been classified as a Variant of Uncertain Significance.

Blueprint Genetics
Classification: Uncertain significance. Last evaluated: 2024-09-20. Review status: criteria provided, single submitter. Criteria: ACMG Guidelines, 2015. Collection method: clinical testing. Allele origin: germline.

Ambry Genetics
Classification: Uncertain significance for Inborn genetic diseases. Last evaluated: 2023-12-20. Review status: criteria provided, single submitter. Criteria: Ambry Variant Classification Scheme 2023. Collection method: clinical testing. Allele origin: germline.